The following is an entry in ClinVar:

NM_000219.6(KCNE1):c.72T>G (p.Gly24=)

Gene: KCNE1 (potassium voltage-gated channel subfamily E regulatory subunit 1; minus strand). Cytogenetic location: 21q22.12.
Variant type: single nucleotide variant.
Coding change: c.72T>G on transcript NM_000219.6 (MANE Select); coding-DNA position 72, T replaced by G.
Protein change: p.Gly24=; no amino-acid change (glycine 24 retained).
Molecular consequence: synonymous variant.
Genome position (GRCh38, 1-based): chr21:34,449,563, A>C on the plus strand (T>G on the coding strand, the complement: KCNE1 is on the minus strand). VCF-style: chr21-34449563-A-C. GRCh37 (hg19) VCF-style: chr21-35821861-A-C.
Other names: c.72T>G, p.Gly24= (NM_001127668.4, NM_001127669.4, NM_001127670.4 and 4 more transcripts).
Identifiers: ClinVar variation 3373972 (VCV003373972.2).
Genomic context (GRCh38, chr21:34,449,563, plus strand): 5'-GGCCTCCAGCTTGCCGTCACTGCTGCGGGGGGACCTGCGGGCCAGGCCCGACATGTTGCC[A>C]CCCTGCTGAACTGTCTCCTGCCACAGCTTGGTCAGAAAGGGCGTCACCGCTGTGGTGTTA-3'
Protein context (NP_000210.2, residues 14-34): TKLWQETVQQ[Gly24=]GNMSGLARRS

Conditions:
Long QT syndrome 5 (LQT5). Identifiers: Orphanet 101016, Orphanet 768, MedGen C1867904, MONDO:0013372, OMIM 613695.

Submission:

Roden Lab, Vanderbilt University Medical Center
No classification provided (evidence only). Condition: Long QT syndrome 5. Review status: no classification provided. Collection method: in vitro. Allele origin: not applicable. Functional consequence: Effect on ion channel function.
ClinVar note: "not provided" was previously submitted as the classification for the variant. However, the classification appeared to be based only on an observation of functional data so it was converted to no classification on 2025-07-30.